The following is an entry in ClinVar:

NM_005502.4(ABCA1):c.4643G>C (p.Ser1548Thr)

Gene: ABCA1 (ATP binding cassette subfamily A member 1; minus strand). Cytogenetic location: 9q31.1.
Variant type: single nucleotide variant.
Coding change: c.4643G>C on transcript NM_005502.4 (MANE Select); coding-DNA position 4643, G replaced by C.
Protein change: p.Ser1548Thr; replaces serine 1548 with threonine.
Molecular consequence: missense variant.
Genome position (GRCh38, 1-based): chr9:104,802,109, C>G on the plus strand (G>C on the coding strand, the complement: ABCA1 is on the minus strand). VCF-style: chr9-104802109-C-G. GRCh37 (hg19) VCF-style: chr9-107564390-C-G.
Other names: short protein forms S1548T.
Identifiers: ClinVar variation 3493400 (VCV003493400.1).

ClinVar aggregate classification (germline): Uncertain significance (1 of 4 stars; one submission).

Conditions:
Cardiovascular phenotype. Identifiers: MedGen CN230736.

Submission:

Ambry Genetics
Classification: Uncertain significance for Cardiovascular phenotype. Last evaluated: 2024-10-19. Review status: criteria provided, single submitter. Criteria: Ambry Variant Classification Scheme 2023. Collection method: clinical testing. Allele origin: germline.
Comment: The p.S1548T variant (also known as c.4643G>C), located in coding exon 33 of the ABCA1 gene, results from a G to C substitution at nucleotide position 4643. The serine at codon 1548 is replaced by threonine, an amino acid with similar properties. This amino acid position is conserved. In addition, this alteration is predicted to be tolerated by in silico analysis. Based on the available evidence, the clinical significance of this variant remains unclear.